The following is an entry in ClinVar:

NM_004341.5(CAD):c.3975A>G (p.Lys1325=)

Gene: CAD (carbamoyl-phosphate synthetase 2, aspartate transcarbamylase, and dihydroorotase; plus strand). Cytogenetic location: 2p23.3.
Variant type: single nucleotide variant.
Coding change: c.3975A>G on transcript NM_004341.5 (MANE Select); coding-DNA position 3975, A replaced by G.
Protein change: p.Lys1325=; no amino-acid change (lysine 1325 retained).
Molecular consequence: synonymous variant.
Genome position (GRCh38, 1-based): chr2:27,235,541, A>G. VCF-style: chr2-27235541-A-G. GRCh37 (hg19) VCF-style: chr2-27458409-A-G.
Other names: c.3786A>G, p.Lys1262= (NM_001306079.2).
Identifiers: ClinVar variation 789878 (VCV000789878.49), dbSNP rs144685073, ClinGen allele CA1573408.

ClinVar aggregate classification (germline): Benign/Likely benign. Review status: criteria provided, multiple submitters, no conflicts (2 of 4 stars). 4 submissions from 4 submitters: Benign (1); Likely benign (2). 1 of the submissions does not count toward it. Last evaluated 2026-02-01.

Conditions:
CAD-related disorder. Also called: CAD-related condition.

Allele frequency attached by ClinVar (database versions not stated): 1000 Genomes Project 30x 0.00125; ESP Exome Variant Server 0.00138; 1000 Genomes Project 0.00140; gnomAD 0.00150 and 0.00164; TOPMed 0.00169; gnomAD exomes 0.00228 and 0.00319; ExAC 0.00244.
gnomAD v4.1: 4,892 of 1,614,138 alleles (0.3%); highest among the groups gnomAD compares: South Asian, 0.65%; 19 homozygotes.

Submissions (4):

CeGaT Center for Human Genetics Tuebingen
Classification: Likely benign. Last evaluated: 2026-02-01. Review status: criteria provided, single submitter. Criteria: CeGaT Center For Human Genetics Tuebingen Variant Classification Criteria Version 2. Collection method: clinical testing. Allele origin: germline. Affected: yes. Observed: 12 variant alleles.
Comment: CAD: BP4, BP7, BS2

Labcorp Genetics (formerly Invitae), Labcorp
Classification: Benign. Last evaluated: 2026-01-26. Review status: criteria provided, single submitter. Criteria: Invitae Variant Classification Sherloc (09022015). Collection method: clinical testing. Allele origin: germline.

Blueprint Genetics
Classification: Likely benign. Last evaluated: 2024-11-13. Review status: criteria provided, single submitter. Criteria: ACMG Guidelines, 2015. Collection method: clinical testing. Allele origin: germline.

PreventionGenetics, part of Exact Sciences
Classification: Likely benign for CAD-related condition. Last evaluated: 2019-07-19. Review status: no assertion criteria provided. Collection method: clinical testing. Allele origin: germline. Not counted in ClinVar's aggregate classification.
Comment: This variant is classified as likely benign based on ACMG/AMP sequence variant interpretation guidelines (Richards et al. 2015 PMID: 25741868, with internal and published modifications).